The following is an entry in ClinVar:

NM_014629.4(ARHGEF10):c.1027G>A (p.Val343Met)

Gene: ARHGEF10 (Rho guanine nucleotide exchange factor 10; plus strand). Cytogenetic location: 8p23.3.
Variant type: single nucleotide variant.
Coding change: c.1027G>A on transcript NM_014629.4 (MANE Select); coding-DNA position 1027, G replaced by A.
Protein change: p.Val343Met; replaces valine 343 with methionine.
Molecular consequence: missense variant.
Genome position (GRCh38, 1-based): chr8:1,882,701, G>A. VCF-style: chr8-1882701-G-A. GRCh37 (hg19) VCF-style: chr8-1830867-G-A.
Other names: c.913G>A, p.Val305Met (NM_001308152.2); c.1030G>A, p.Val344Met (NM_001308153.3); short protein forms V305M, V343M, V368M, V344M.
Identifiers: ClinVar variation 3425020 (VCV003425020.2).

ClinVar aggregate classification (germline): Uncertain significance. Review status: criteria provided, multiple submitters, no conflicts (2 of 4 stars). 2 submissions from 2 submitters: Uncertain significance (2). Last evaluated 2025-08-06.

gnomAD v4.1: 62 of 1,556,702 alleles (0.004%); highest among the groups gnomAD compares: Non-Finnish European, 0.005%; no homozygotes.

Submissions (2):

Labcorp Genetics (formerly Invitae), Labcorp
Classification: Uncertain significance. Last evaluated: 2025-08-06. Review status: criteria provided, single submitter. Criteria: Invitae Variant Classification Sherloc (09022015). Collection method: clinical testing. Allele origin: germline.
Comment: This sequence change replaces valine, which is neutral and non-polar, with methionine, which is neutral and non-polar, at codon 343 of the ARHGEF10 protein (p.Val343Met). This variant is not present in population databases (gnomAD no frequency). This variant has not been reported in the literature in individuals affected with ARHGEF10-related conditions. ClinVar contains an entry for this variant (Variation ID: 3425020). An algorithm developed to predict the effect of missense changes on protein structure and function (PolyPhen-2) suggests that this variant is likely to be disruptive. In summary, the available evidence is currently insufficient to determine the role of this variant in disease. Therefore, it has been classified as a Variant of Uncertain Significance.

Ambry Genetics
Classification: Uncertain significance. Last evaluated: 2024-10-20. Review status: criteria provided, single submitter. Criteria: Ambry Variant Classification Scheme 2023. Collection method: clinical testing. Allele origin: germline.